The following is an entry in ClinVar:

ClinVar aggregate classification (germline): Uncertain significance (1 of 4 stars; one submission).

Submission:

Dasa
Classification: Uncertain significance. Last evaluated: 2026-04-01. Review status: criteria provided, single submitter. Criteria: DASA Assertion Criteria. Collection method: clinical testing. Allele origin: germline.
Comment: NM_001378477.3(NYX):c.755G>C (p.Arg252Pro) is a missense variant that results in the substitution of arginine with proline. This variant is absent from population databases. The currently available literature and clinical evidence are not sufficient to establish a definitive association between this variant and the reported condition. Therefore, this variant is classified as a variant of uncertain significance.

NM_001378477.3(NYX):c.755G>C (p.Arg252Pro)

Gene: NYX (nyctalopin; plus strand). Cytogenetic location: Xp11.4.
Variant type: single nucleotide variant.
Coding change: c.755G>C on transcript NM_001378477.3 (MANE Select); coding-DNA position 755, G replaced by C.
Protein change: p.Arg252Pro; replaces arginine 252 with proline.
Molecular consequence: missense variant.
Genome position (GRCh38, 1-based): chrX:41,474,223, G>C. VCF-style: chrX-41474223-G-C. GRCh37 (hg19) VCF-style: chrX-41333476-G-C.
Other names: c.755G>C, p.Arg252Pro (NM_022567.3); short protein forms R252P.
Identifiers: ClinVar variation 4885498 (VCV004885498.2).